The following is an entry in ClinVar:

NM_058216.3(RAD51C):c.269T>A (p.Leu90His)

Gene: RAD51C (RAD51 paralog C; plus strand). Cytogenetic location: 17q22.
Variant type: single nucleotide variant.
Coding change: c.269T>A on transcript NM_058216.3 (MANE Select); coding-DNA position 269, T replaced by A.
Protein change: p.Leu90His; replaces leucine 90 with histidine.
Molecular consequence: missense variant. On other transcripts: non-coding transcript variant (2).
Genome position (GRCh38, 1-based): chr17:58,695,054, T>A. VCF-style: chr17-58695054-T-A. GRCh37 (hg19) VCF-style: chr17-56772415-T-A.
Other names: c.269T>A, p.Leu90His (NM_002876.4); short protein forms L90H.
Identifiers: ClinVar variation 419526 (VCV000419526.2), dbSNP rs1064793934, ClinGen allele CA16620491.

ClinVar aggregate classification (germline): Uncertain significance (1 of 4 stars; one submission).

Submission:

GeneDx
Classification: Uncertain significance. Last evaluated: 2015-07-21. Review status: criteria provided, single submitter. Criteria: GeneDx Variant Classification (06012015). Collection method: clinical testing. Allele origin: germline. Affected: yes.
Comment: This variant is denoted RAD51C c.269T>A at the cDNA level, p.Leu90His (L90H) at the protein level, and results in the change of a Leucine to a Histidine (CTT>CAT). This variant has not, to our knowledge, been published in the literature as pathogenic or benign. RAD51C Leu90His was not observed in approximately 6,500 individuals of European and African American ancestry in the NHLBI Exome Sequencing Project, indicating it is not a common benign variant in these populations. Since Leucine and Histidine differ in polarity, charge, size or other properties, this is considered a non-conservative amino acid substitution. RAD51C Leu90His occurs at a position that is conserved across species and is located in the N-terminal domain required for Holliday junction resolution (Kim 2011, Uniprot). In silico analyses predict that this variant is probably damaging to protein structure and function. Based on currently available information, it is unclear whether RAD51C Leu90His is pathogenic or benign. We consider it to be a variant of uncertain significance.